The following is an entry in ClinVar:

ClinVar aggregate classification (germline): Uncertain significance. Review status: criteria provided, multiple submitters, no conflicts (2 of 4 stars). 6 submissions from 6 submitters: Uncertain significance (5). 1 of the submissions does not count toward it. Last evaluated 2025-08-18.

Conditions:
Hereditary cancer-predisposing syndrome. Also called: Tumor predisposition; Hereditary neoplastic syndrome; Neoplastic Syndromes, Hereditary; Hereditary Cancer Syndrome. Identifiers: Orphanet 140162, MedGen C0027672, MeSH D009386, MONDO:0015356.
Ataxia-telangiectasia syndrome (AT). Also called: Ataxia-telangiectasia, complementation group E; AT, COMPLEMENTATION GROUP C; ATAXIA-TELANGIECTASIA, COMPLEMENTATION GROUP A; ATAXIA-TELANGIECTASIA, FRESNO VARIANT; Ataxia-telangiectasia; LOUIS-BAR SYNDROME. Identifiers: Orphanet 100, MedGen C0004135, MONDO:0008840, OMIM 208900.
Familial cancer of breast. Also called: hereditary breast carcinoma; Hereditary breast cancer; BREAST CANCER, FAMILIAL. Identifiers: Orphanet 227535, MedGen C0346153, MONDO:0016419, OMIM 114480. Disease mechanism: loss of function.

Allele frequency attached by ClinVar (database versions not stated): TOPMed below 0.00001.
gnomAD v4.1: 1 of 1,613,770 alleles (0.000062%); highest among the groups gnomAD compares: Non-Finnish European, 0.000085%; no homozygotes.

Submissions (6):

GeneDx
Classification: Uncertain significance. Last evaluated: 2025-08-18. Review status: criteria provided, single submitter. Criteria: GeneDx Variant Classification Process June 2021. Collection method: clinical testing. Allele origin: germline. Affected: yes.
Comment: Reported previously as a variant of uncertain significance in individuals with breast cancer who also harbored disease causing variants in the BRCA2 and MEN1 genes (PMID: 34326862, 31592449); In silico analysis suggests that this missense variant does not alter protein structure/function; Not observed at significant frequency in large population cohorts (gnomAD); This variant is associated with the following publications: (PMID: 34326862, 31592449)

Labcorp Genetics (formerly Invitae), Labcorp
Classification: Uncertain significance for Ataxia-telangiectasia syndrome. Last evaluated: 2024-12-12. Review status: criteria provided, single submitter. Criteria: Invitae Variant Classification Sherloc (09022015). Collection method: clinical testing. Allele origin: germline.
Comment: This sequence change replaces glutamine, which is neutral and polar, with histidine, which is basic and polar, at codon 161 of the ATM protein (p.Gln161His). This variant is not present in population databases (gnomAD no frequency). This missense change has been observed in individual(s) with breast cancer (PMID: 34326862). ClinVar contains an entry for this variant (Variation ID: 221086). Invitae Evidence Modeling of protein sequence and biophysical properties (such as structural, functional, and spatial information, amino acid conservation, physicochemical variation, residue mobility, and thermodynamic stability) indicates that this missense variant is not expected to disrupt ATM protein function with a negative predictive value of 95%. In summary, the available evidence is currently insufficient to determine the role of this variant in disease. Therefore, it has been classified as a Variant of Uncertain Significance.

Ambry Genetics
Classification: Uncertain significance for Hereditary cancer-predisposing syndrome. Last evaluated: 2024-11-25. Review status: criteria provided, single submitter. Criteria: Ambry Variant Classification Scheme 2023. Collection method: clinical testing. Allele origin: germline.
Comment: The p.Q161H variant (also known as c.483G>C), located in coding exon 4 of the ATM gene, results from a G to C substitution at nucleotide position 483. The glutamine at codon 161 is replaced by histidine, an amino acid with highly similar properties. This amino acid position is not well conserved in available vertebrate species. In addition, this alteration is predicted to be tolerated by in silico analysis. Based on the available evidence, the clinical significance of this variant remains unclear.

Fulgent Genetics
Classification: Uncertain significance for Familial cancer of breast; Ataxia-telangiectasia syndrome. Last evaluated: 2024-03-01. Review status: criteria provided, single submitter. Criteria: ACMG Guidelines, 2015. Collection method: clinical testing. Allele origin: germline.

Institute for Clinical Genetics, University Hospital TU Dresden, University Hospital TU Dresden
Classification: Uncertain significance. Last evaluated: 2021-11-03. Review status: criteria provided, single submitter. Criteria: ACMG Guidelines, 2015. Collection method: clinical testing. Allele origin: germline.

Natera, Inc.
Classification: Uncertain significance for Ataxia-telangiectasia. Last evaluated: 2020-10-24. Review status: no assertion criteria provided. Collection method: clinical testing. Allele origin: germline. Not counted in ClinVar's aggregate classification.

Literature cited by the submitters: PubMed 34326862 (cited by Labcorp Genetics (formerly Invitae), Labcorp).

NM_000051.4(ATM):c.483G>C (p.Gln161His)

Gene: ATM (ATM serine/threonine kinase; plus strand). Cytogenetic location: 11q22.3.
Variant type: single nucleotide variant.
Coding change: c.483G>C on transcript NM_000051.4 (MANE Select); coding-DNA position 483, G replaced by C.
Protein change: p.Gln161His; replaces glutamine 161 with histidine.
Molecular consequence: missense variant.
Genome position (GRCh38, 1-based): chr11:108,235,821, G>C. VCF-style: chr11-108235821-G-C. GRCh37 (hg19) VCF-style: chr11-108106548-G-C.
Other names: c.483G>C, p.Gln161His (NM_001351834.2); short protein forms Q161H.
Identifiers: ClinVar variation 221086 (VCV000221086.20), dbSNP rs864622742, ClinGen allele CA350088.